The following is an entry in ClinVar:

ClinVar aggregate classification (germline): Pathogenic. Review status: criteria provided, multiple submitters, no conflicts (2 of 4 stars). 3 submissions from 3 submitters: Pathogenic (2). 1 of the submissions does not count toward it. Last evaluated 2023-08-05.

Conditions:
Familial cancer of breast. Also called: Hereditary breast cancer; BREAST CANCER, FAMILIAL; hereditary breast carcinoma. Identifiers: Orphanet 227535, MedGen C0346153, MONDO:0016419, OMIM 114480. Disease mechanism: loss of function.
Hereditary breast ovarian cancer syndrome. Also called: Hereditary breast and/or ovarian cancer syndrome; BRCA1- and BRCA2-Associated Hereditary Breast and Ovarian Cancer; Hereditary breast and ovarian cancer syndrome; Hereditary breast and ovarian cancer; Hereditary breast and ovarian cancer syndrome (HBOC); Breast and ovarian cancer. Identifiers: Orphanet 145, MedGen C0677776, MeSH D061325, MONDO:0003582. Disease mechanism: loss of function.
Breast-ovarian cancer, familial, susceptibility to, 2 (BROVCA2). Also called: BRCA2 Hereditary Breast and Ovarian Cancer. Identifiers: Orphanet 145, MedGen C2675520, MONDO:0012933, OMIM 612555. Disease mechanism: loss of function.
Wilms tumor 1 (WT1). Also called: Wilms tumor, somatic. Identifiers: Orphanet 654, MedGen CN033288, MONDO:0008679, OMIM 194070.
Pancreatic cancer, susceptibility to, 2. Identifiers: Orphanet 1333, MedGen C3150546, MONDO:0013235, OMIM 613347.
Glioma susceptibility 3 (GLM3). Also called: Glioblastoma 3. Identifiers: Orphanet 182067, Orphanet 360, MedGen C2751641, MONDO:0013093, OMIM 613029.
Familial prostate cancer. Also called: Hereditary Prostate Cancer. Identifiers: MedGen C2931456, MONDO:0700275, OMIM 176807.
Medulloblastoma (MDB). Also called: MEDULLOBLASTOMA PREDISPOSITION SYNDROME; Medulloblastoma, somatic. Identifiers: Orphanet 616, MedGen C0025149, MeSH D008527, MONDO:0007959, OMIM 155255, HP:0002885.
Fanconi anemia complementation group D1. Also called: BRCA2-Related Fanconi Anemia. Identifiers: Orphanet 319462, MedGen C1838457, MONDO:0011584, OMIM 605724.

Submissions (3):

Labcorp Genetics (formerly Invitae), Labcorp
Classification: Pathogenic for Hereditary breast ovarian cancer syndrome. Last evaluated: 2023-08-05. Review status: criteria provided, single submitter. Criteria: Invitae Variant Classification Sherloc (09022015). Collection method: clinical testing. Allele origin: germline.
Comment: This sequence change creates a premature translational stop signal (p.Ser309Hisfs*15) in the BRCA2 gene. It is expected to result in an absent or disrupted protein product. Loss-of-function variants in BRCA2 are known to be pathogenic (PMID: 20104584). This variant is not present in population databases (gnomAD no frequency). This premature translational stop signal has been observed in individual(s) with BRCA2-related conditions (PMID: 33754277). ClinVar contains an entry for this variant (Variation ID: 631514). For these reasons, this variant has been classified as Pathogenic.

Department of Pathology and Laboratory Medicine, Sinai Health System
Classification: Pathogenic for Familial cancer of breast; Medulloblastoma; Familial prostate cancer; Wilms tumor 1; Fanconi anemia complementation group D1; Breast-ovarian cancer, familial, susceptibility to, 2; Glioma susceptibility 3; Pancreatic cancer, susceptibility to, 2. Last evaluated: 2020-06-23. Review status: criteria provided, single submitter. Criteria: ACMG Guidelines, 2015. Collection method: clinical testing. Allele origin: germline. Affected: no.

Academic Center for Education, Culture and Research, Motamed Cancer Institute
Classification: Pathogenic for Familial cancer of breast. Last evaluated: 2019-05-19. Review status: no assertion criteria provided. Collection method: clinical testing. Allele origin: germline. Inheritance: Autosomal dominant inheritance. Affected: yes. Observed: 1 heterozygote. Not counted in ClinVar's aggregate classification.

Literature cited by the submitters: PubMed 20104584 (cited by Labcorp Genetics (formerly Invitae), Labcorp); PubMed 33754277 (cited by Labcorp Genetics (formerly Invitae), Labcorp).

NM_000059.4(BRCA2):c.925del (p.Ser309fs)

Gene: BRCA2 (BRCA2 DNA repair associated; plus strand). Cytogenetic location: 13q13.1.
Variant type: Deletion.
Coding change: c.925del on transcript NM_000059.4 (MANE Select); coding-DNA position 925, one base deleted (T; older notation c.925delT).
Protein change: p.Ser309fs; shifts the reading frame from serine 309.
Molecular consequence: frameshift variant.
Genome position (GRCh38, 1-based): chr13:32,332,403, T deleted; the last of 5 consecutive T bases (chr13:32,332,399-32,332,403); deleting any one gives the same sequence. VCF-style (leftmost placement, unchanged base first): chr13-32332398-GT-G. GRCh37 (hg19) VCF-style: chr13-32906535-GT-G.
Other names: S309Hfs; c.925del (NM_000059.3); c.925delT (NM_000059.3); short protein forms S309fs.
Identifiers: ClinVar variation 631514 (VCV000631514.6), dbSNP rs886038058, ClinGen allele CA913191079.
Genomic context (GRCh38, chr13:32,332,398, plus strand): 5'-TGCCAAATGTCCTAGAAGATGAAGTATATGAAACAGTTGTAGATACCTCTGAAGAAGATA[GT>G]TTTTCATTATGTTTTTCTAAATGTAGAACAAAAAATCTACAAAAAGTAAGAACTAGCAAG-3'